The following is an entry in ClinVar:

ClinVar aggregate classification (germline): Uncertain significance (1 of 4 stars; one submission).

Allele frequency attached by ClinVar (database versions not stated): gnomAD 0.00001; ESP Exome Variant Server 0.00008.
gnomAD v4.1: 6 of 1,614,118 alleles (0.00037%); highest among the groups gnomAD compares: East Asian, 0.0022%; no homozygotes.

Submission:

Labcorp Genetics (formerly Invitae), Labcorp
Classification: Uncertain significance. Last evaluated: 2022-08-28. Review status: criteria provided, single submitter. Criteria: Invitae Variant Classification Sherloc (09022015). Collection method: clinical testing. Allele origin: germline.
Comment: This sequence change replaces proline, which is neutral and non-polar, with serine, which is neutral and polar, at codon 186 of the ITGB3 protein (p.Pro186Ser). This variant is present in population databases (rs370284989, gnomAD 0.004%). This variant has not been reported in the literature in individuals affected with ITGB3-related conditions. Algorithms developed to predict the effect of missense changes on protein structure and function are either unavailable or do not agree on the potential impact of this missense change (SIFT: "Tolerated"; PolyPhen-2: "Probably Damaging"; Align-GVGD: "Class C0"). In summary, the available evidence is currently insufficient to determine the role of this variant in disease. Therefore, it has been classified as a Variant of Uncertain Significance.

NM_000212.3(ITGB3):c.556C>T (p.Pro186Ser)

Gene: ITGB3 (integrin subunit beta 3; plus strand). Cytogenetic location: 17q21.32.
Variant type: single nucleotide variant.
Coding change: c.556C>T on transcript NM_000212.3 (MANE Select); coding-DNA position 556, C replaced by T.
Protein change: p.Pro186Ser; replaces proline 186 with serine.
Molecular consequence: missense variant.
Genome position (GRCh38, 1-based): chr17:47,284,637, C>T. VCF-style: chr17-47284637-C-T. GRCh37 (hg19) VCF-style: chr17-45362003-C-T.
Other names: short protein forms P186S.
Identifiers: ClinVar variation 1919981 (VCV001919981.2), dbSNP rs370284989, ClinGen allele CA8622978.